The following is an entry in ClinVar:

ClinVar aggregate classification (germline): Likely pathogenic (1 of 4 stars; one submission).

Conditions:
Tyrosinemia type III. Also called: Tyrosinemia type 3; 4-alpha hydroxyphenylpyruvic acid oxidase deficiency; 4-alpha hydroxyphenylpyruvate dioxygenase deficiency; 4-Hydroxyphenylpyruvate dioxygenase deficiency; 4-HYDROXYPHENYLPYRUVIC ACID OXIDASE DEFICIENCY. Identifiers: Orphanet 69723, MedGen C0268623, MONDO:0010162, OMIM 276710.

Submission:

Women's Health and Genetics/Laboratory Corporation of America, LabCorp
Classification: Likely pathogenic for Tyrosinemia type III. Last evaluated: 2023-03-15. Review status: criteria provided, single submitter. Criteria: LabCorp Variant Classification Summary - May 2015. Collection method: clinical testing. Allele origin: germline.
Comment: Variant summary: HPD c.717delC (p.Ile240SerfsX42) results in a premature termination codon, predicted to cause a truncation of the encoded protein or absence of the protein due to nonsense mediated decay, which are commonly known mechanisms for disease. One truncation downstream of this position have been associated with Tyrosinaemia 3 in HGMD. The variant was absent in 251494 control chromosomes. To our knowledge, no occurrence of c.717delC in individuals affected with Tyrosinemia Type 3 and no experimental evidence demonstrating its impact on protein function have been reported. No clinical diagnostic laboratories have submitted clinical-significance assessments for this variant to ClinVar after 2014. Based on the evidence outlined above, the variant was classified as likely pathogenic.

NM_002150.3(HPD):c.717del (p.Ile240fs)

Genes: HPD (4-hydroxyphenylpyruvate dioxygenase; minus strand), TIALD (transcript inducer of AURKA lysosomal degradation; plus strand). Cytogenetic location: 12q24.31.
Variant type: Deletion.
Coding change: c.717del on transcript NM_002150.3 (MANE Select); coding-DNA position 717, one base deleted (C; older notation c.717delC).
Protein change: p.Ile240fs; shifts the reading frame from isoleucine 240.
Molecular consequence: frameshift variant.
Genome position (GRCh38, 1-based): chr12:121,847,094, G deleted on the plus strand (C on the coding strand, the reverse complement: HPD is on the minus strand); the first of 3 consecutive G bases (chr12:121,847,094-121,847,096); deleting any one gives the same sequence. VCF-style (leftmost placement, unchanged base first): chr12-121847093-TG-T. GRCh37 (hg19) VCF-style: chr12-122284999-TG-T.
Other names: c.600del, p.Ile201fs (NM_001171993.2); short protein forms I201fs, I240fs.
Identifiers: ClinVar variation 2501132 (VCV002501132.1), dbSNP rs2500298650, ClinGen allele CA2575327729.